The following is an entry in ClinVar:

ClinVar aggregate classification (germline): Uncertain significance (1 of 4 stars; one submission).

Submission:

Labcorp Genetics (formerly Invitae), Labcorp
Classification: Uncertain significance. Last evaluated: 2025-08-01. Review status: criteria provided, single submitter. Criteria: Invitae Variant Classification Sherloc (09022015). Collection method: clinical testing. Allele origin: germline.
Comment: This sequence change falls in intron 16 of the DDX3X gene. It does not directly change the encoded amino acid sequence of the DDX3X protein. It affects a nucleotide within the consensus splice site. This variant is present in population databases (no rsID available, gnomAD 0.02%). This variant has not been reported in the literature in individuals affected with DDX3X-related conditions. Variants that disrupt the consensus splice site are a relatively common cause of aberrant splicing (PMID: 17576681, 9536098). Algorithms developed to predict the effect of sequence changes on RNA splicing suggest that this variant is not likely to affect RNA splicing. In summary, the available evidence is currently insufficient to determine the role of this variant in disease. Therefore, it has been classified as a Variant of Uncertain Significance.

Literature cited by the submitters: PubMed 17576681; PubMed 9536098.

NM_001356.5(DDX3X):c.1909+4dup

Gene: DDX3X (DEAD-box helicase 3 X-linked; plus strand). Cytogenetic location: Xp11.4.
Variant type: Duplication.
Coding change: c.1909+4dup on transcript NM_001356.5 (MANE Select); 4 bases into the intron after coding-DNA position 1909, one base duplicated (G; older notation c.1909+4dupG).
Molecular consequence: intron variant.
Genome position (GRCh38, 1-based): chrX:41,347,455, G duplicated. VCF-style (leftmost placement, unchanged base first): chrX-41347454-A-AG. GRCh37 (hg19) VCF-style: chrX-41206707-A-AG.
Other names: c.1906+4dup (NM_001193416.3); c.1861+4dup (NM_001193417.3); c.1348+4dup (NM_001363819.1).
Identifiers: ClinVar variation 4765092 (VCV004765092.1).